The following is an entry in ClinVar:

ClinVar aggregate classification (germline): Conflicting classifications of pathogenicity. Review status: criteria provided, conflicting classifications (1 of 4 stars). 16 submissions from 16 submitters: Uncertain significance (1); Benign (8); Likely benign (3). 4 of the submissions do not count toward it. Last evaluated 2026-02-03.

Conditions:
Autoinflammatory syndrome. Identifiers: Orphanet 93665, MedGen C3890737, MONDO:0019751.
Inborn genetic diseases. Identifiers: MedGen C0950123, MeSH D030342.
Familial Mediterranean fever, autosomal dominant. Also called: FMF, AUTOSOMAL DOMINANT; Dominant Familial Mediterranean Fever. Identifiers: Orphanet 342, MedGen C1851347, MONDO:0007601, OMIM 134610.
Familial Mediterranean fever (FMF). Also called: Periodic peritonitis; Benign paroxysmal peritonitis; POLYSEROSITIS, FAMILIAL PAROXYSMAL; POLYSEROSITIS, RECURRENT. Identifiers: Orphanet 342, MedGen C0031069, MONDO:0018088, OMIM 249100. Disease mechanism: gain of function.

Allele frequency attached by ClinVar (database versions not stated): gnomAD exomes 0.00364; ESP Exome Variant Server 0.00685; gnomAD 0.00809 and 0.00864; TOPMed 0.00941; 1000 Genomes Project 0.00879; 1000 Genomes Project 30x 0.00890; ExAC 0.00389.
gnomAD v4.1: 4,734 of 1,614,066 alleles (0.29%); highest among the groups gnomAD compares: Middle Eastern, 2.7%; 34 homozygotes.

Submissions (16):

Labcorp Genetics (formerly Invitae), Labcorp
Classification: Benign for Familial Mediterranean fever. Last evaluated: 2026-02-03. Review status: criteria provided, single submitter. Criteria: Invitae Variant Classification Sherloc (09022015). Collection method: clinical testing. Allele origin: germline.

ARUP Laboratories, Molecular Genetics and Genomics, ARUP Laboratories
Classification: Benign. Last evaluated: 2025-07-07. Review status: criteria provided, single submitter. Criteria: ARUP Molecular Germline Variant Investigation Process 2024. Collection method: clinical testing. Allele origin: germline.

Blueprint Genetics
Classification: Likely benign. Last evaluated: 2024-11-25. Review status: criteria provided, single submitter. Criteria: ACMG Guidelines, 2015. Collection method: clinical testing. Allele origin: germline.

Mayo Clinic Laboratories, Mayo Clinic
Classification: Benign. Last evaluated: 2024-05-07. Review status: criteria provided, single submitter. Criteria: ACMG Guidelines, 2015. Collection method: clinical testing. Allele origin: germline. Observed: 16 variant alleles.
Comment: BS1, BS2, BP4, BP7

Genome Diagnostics Laboratory, The Hospital for Sick Children
Classification: Benign for Autoinflammatory syndrome. Last evaluated: 2022-02-08. Review status: criteria provided, single submitter. Criteria: ACMG Guidelines, 2015. Collection method: clinical testing. Allele origin: germline. Affected: yes.

Dubai Health Genomic Medicine Center, Dubai Health
Classification: Benign for Familial Mediterranean fever, autosomal dominant. Last evaluated: 2020-07-16. Review status: criteria provided, single submitter. Criteria: ACMG Guidelines, 2015. Collection method: clinical testing. Allele origin: germline. Affected: yes.

Illumina Laboratory Services, Illumina
Classification: Uncertain significance for Familial Mediterranean fever. Last evaluated: 2018-02-13. Review status: criteria provided, single submitter. Criteria: ICSL Variant Classification Criteria 13 December 2019. Collection method: clinical testing. Allele origin: germline.
Comment: This variant was observed as part of a predisposition screen in an ostensibly healthy population. A literature search was performed for the gene, cDNA change, and amino acid change (where applicable). Publications were found based on this search. However, the evidence from the literature, in combination with allele frequency data from public databases where available, was not sufficient to rule this variant in or out of causing disease. Therefore, this variant is classified as a variant of unknown significance.

GeneDx
Classification: Benign. Last evaluated: 2015-03-03. Review status: criteria provided, single submitter. Criteria: GeneDx Variant Classification Process June 2021. Collection method: clinical testing. Allele origin: germline. Affected: yes.

Ambry Genetics
Classification: Likely benign for Inborn genetic diseases. Last evaluated: 2015-01-28. Review status: criteria provided, single submitter. Criteria: Ambry Variant Classification Scheme 2023. Collection method: clinical testing. Allele origin: germline.

Women's Health and Genetics/Laboratory Corporation of America, LabCorp
Classification: Likely benign for Familial Mediterranean Fever. Last evaluated: 2011-08-18. Review status: criteria provided, single submitter. Criteria: LabCorp Variant Classification Summary - May 2015. Collection method: curation, clinical testing. Allele origin: germline. Inheritance: autosomal unknown. Affected: yes. Observed: 1 variant allele.
ClinVar note: Converted during submission from likely benign to Likely benign.

Pathology and Clinical Laboratory Medicine, King Fahad Medical City
Classification: Benign. Review status: criteria provided, single submitter. Criteria: ACMG Guidelines, 2015. Collection method: clinical testing. Allele origin: germline. Affected: no. Observed: 179 variant alleles.

PreventionGenetics, part of Exact Sciences
Classification: Benign. Review status: criteria provided, single submitter. Criteria: ACMG Guidelines, 2015. Collection method: clinical testing. Allele origin: germline.

Molecular Genetics Laboratory, BC Children's and BC Women's Hospitals
Classification: Likely benign for Familial Mediterranean fever. Last evaluated: 2023-04-24. Review status: no assertion criteria provided. Criteria: ACMG Guidelines, 2015. Collection method: clinical testing. Allele origin: germline. Affected: yes. Not counted in ClinVar's aggregate classification.

Natera, Inc.
Classification: Benign for Familial Mediterranean fever. Last evaluated: 2019-12-09. Review status: no assertion criteria provided. Collection method: clinical testing. Allele origin: germline. Not counted in ClinVar's aggregate classification.

Clinical Genetics DNA and cytogenetics Diagnostics Lab, Erasmus MC, Erasmus Medical Center
Classification: Benign. Review status: no assertion criteria provided. Collection method: clinical testing. Allele origin: germline. Affected: yes. Study: VKGL Data-share Consensus. Not counted in ClinVar's aggregate classification.

Genome Diagnostics Laboratory, University Medical Center Utrecht
Classification: Benign. Review status: no assertion criteria provided. Collection method: clinical testing. Allele origin: germline. Affected: yes. Study: VKGL Data-share Consensus. Not counted in ClinVar's aggregate classification.

Literature cited by the submitters: PubMed 9668175 (cited by Illumina Laboratory Services, Illumina); PubMed 18609258 (cited by Illumina Laboratory Services, Illumina); PubMed 16523438 (cited by Illumina Laboratory Services, Illumina); PubMed 10980540 (cited by Illumina Laboratory Services, Illumina); PubMed 24929125 (cited by Ambry Genetics); PubMed 21413889 (cited by Women's Health and Genetics/Laboratory Corporation of America, LabCorp); PubMed 19784369 (cited by Women's Health and Genetics/Laboratory Corporation of America, LabCorp); PubMed 14578331 (cited by Women's Health and Genetics/Laboratory Corporation of America, LabCorp).

NM_000243.3(MEFV):c.2118G>A (p.Pro706=)

Genes: MEFV (MEFV innate immunity regulator, pyrin; minus strand), LOC126862264 (CDK7 strongly-dependent group 2 enhancer GRCh37_chr16:3293322-3294521; plus strand). Cytogenetic location: 16p13.3.
Variant type: single nucleotide variant.
Coding change: c.2118G>A on transcript NM_000243.3 (MANE Select); coding-DNA position 2118, G replaced by A.
Protein change: p.Pro706=; no amino-acid change (proline 706 retained).
Molecular consequence: synonymous variant. On other transcripts: 3 prime UTR variant (1).
Genome position (GRCh38, 1-based): chr16:3,243,369, C>T on the plus strand (G>A on the coding strand, the complement: MEFV is on the minus strand). VCF-style: chr16-3243369-C-T. GRCh37 (hg19) VCF-style: chr16-3293369-C-T.
Other names: p.Pro706=; c.*322G>A (NM_001198536.2).
Identifiers: ClinVar variation 36508 (VCV000036508.79), dbSNP rs2234939, ClinGen allele CA280268.